The following is an entry in ClinVar:

NM_000548.5(TSC2):c.2097+43A>G

Gene: TSC2 (TSC complex subunit 2; plus strand). Cytogenetic location: 16p13.3.
Variant type: single nucleotide variant.
Coding change: c.2097+43A>G on transcript NM_000548.5 (MANE Select); 43 bases into the intron after coding-DNA position 2097, A replaced by G.
Molecular consequence: intron variant.
Genome position (GRCh38, 1-based): chr16:2,071,977, A>G. VCF-style: chr16-2071977-A-G. GRCh37 (hg19) VCF-style: chr16-2121978-A-G.
Other names: c.1497+43A>G (NM_001318831.2); c.1950+43A>G (NM_001318829.2); c.2130+43A>G (NM_001318832.2); c.2097+43A>G (NM_001114382.3, NM_021055.3, NM_001370405.1 and 3 more transcripts); c.1986+43A>G (NM_001318827.2).
Identifiers: ClinVar variation 64899 (VCV000064899.4), dbSNP rs186681035, ClinGen allele CA016700.

ClinVar aggregate classification (germline): Benign/Likely benign. Review status: criteria provided, multiple submitters, no conflicts (2 of 4 stars). 4 submissions from 4 submitters: Benign (1); Likely benign (2). 1 of the submissions does not count toward it. Last evaluated 2018-06-19.

Conditions:
Tuberous sclerosis syndrome (TSC). Also called: Tuberous Sclerosis Complex; Tuberous sclerosis. Identifiers: Orphanet 805, MedGen C0041341, MONDO:0001734.

Allele frequency attached by ClinVar (database versions not stated): 1000 Genomes Project 30x 0.00219; 1000 Genomes Project 0.00260; ESP Exome Variant Server 0.00667; TOPMed 0.00743; gnomAD 0.00890 and 0.00912; gnomAD exomes 0.00915 and 0.01128; ExAC 0.01044.
gnomAD v4.1: 16,876 of 1,537,292 alleles (1.1%); highest among the groups gnomAD compares: Non-Finnish European, 1.2%; 112 homozygotes.

Submissions (4):

GeneDx
Classification: Likely benign. Last evaluated: 2018-06-19. Review status: criteria provided, single submitter. Criteria: GeneDx Variant Classification (06012015). Collection method: clinical testing. Allele origin: germline. Affected: yes.
Comment: This variant is considered likely benign or benign based on one or more of the following criteria: it is a conservative change, it occurs at a poorly conserved position in the protein, it is predicted to be benign by multiple in silico algorithms, and/or has population frequency not consistent with disease.

Breakthrough Genomics
Classification: Likely benign. Review status: criteria provided, single submitter. Criteria: ACMG Guidelines, 2015. Collection method: not provided. Allele origin: germline. Inheritance: Autosomal dominant inheritance. Affected: yes.

PreventionGenetics, part of Exact Sciences
Classification: Benign. Review status: criteria provided, single submitter. Criteria: ACMG Guidelines, 2015. Collection method: clinical testing. Allele origin: germline.

Tuberous sclerosis database (TSC2)
No classification provided. Condition: TSC. Review status: no classification provided. Criteria: Tuberous Sclerosis Database Assertion Criteria 2015. Collection method: curation. Allele origin: germline. Affected: yes. Not counted in ClinVar's aggregate classification.